The following is an entry in ClinVar:

NM_000349.3(STAR):c.466-15C>T

Gene: STAR (steroidogenic acute regulatory protein; minus strand). Cytogenetic location: 8p11.23.
Variant type: single nucleotide variant.
Coding change: c.466-15C>T on transcript NM_000349.3 (MANE Select); 15 bases into the intron before coding-DNA position 466, C replaced by T.
Molecular consequence: intron variant.
Genome position (GRCh38, 1-based): chr8:38,146,162, G>A on the plus strand (C>T on the coding strand, the complement: STAR is on the minus strand). VCF-style: chr8-38146162-G-A. GRCh37 (hg19) VCF-style: chr8-38003680-G-A.
Other names: c.466-15C>T (NM_000349.2).
Identifiers: ClinVar variation 2730918 (VCV002730918.6), dbSNP rs201826448, ClinGen allele CA4715234.
Genomic context (GRCh38, chr8:38,146,162, plus strand): 5'-CCAGCTCGTGAGTAATGAATGTATCTTTTCCGATCTTCTGCAGGACCTACCAGGCCATGG[G>A]GAACCAGAATCACGACTCAGCCTGTGTTGGGCTAAGCACCCCCCACAGCTAGGGGTCCTC-3'

ClinVar aggregate classification (germline): Benign/Likely benign. Review status: criteria provided, multiple submitters, no conflicts (2 of 4 stars). 3 submissions from 3 submitters: Benign (1); Likely benign (1). 1 of the submissions does not count toward it. Last evaluated 2026-01-26.

Conditions:
STAR-related disorder. Also called: STAR-related condition.

Allele frequency attached by ClinVar (database versions not stated): ExAC 0.00053; ESP Exome Variant Server 0.00146; gnomAD exomes 0.00016; gnomAD 0.00167; TOPMed 0.00193; 1000 Genomes Project 0.00120; 1000 Genomes Project 30x 0.00125.
gnomAD v4.1: 500 of 1,613,778 alleles (0.031%); highest among the groups gnomAD compares: African/African-American, 0.49%; no homozygotes.

Submissions (3):

Labcorp Genetics (formerly Invitae), Labcorp
Classification: Benign. Last evaluated: 2026-01-26. Review status: criteria provided, single submitter. Criteria: Invitae Variant Classification Sherloc (09022015). Collection method: clinical testing. Allele origin: germline.

Women's Health and Genetics/Laboratory Corporation of America, LabCorp
Classification: Likely benign. Last evaluated: 2024-12-12. Review status: criteria provided, single submitter. Criteria: LabCorp Variant Classification Summary - May 2015. Collection method: clinical testing. Allele origin: germline.

PreventionGenetics, part of Exact Sciences
Classification: Likely benign for STAR-related condition. Last evaluated: 2019-10-28. Review status: no assertion criteria provided. Collection method: clinical testing. Allele origin: germline. Not counted in ClinVar's aggregate classification.
Comment: This variant is classified as likely benign based on ACMG/AMP sequence variant interpretation guidelines (Richards et al. 2015 PMID: 25741868, with internal and published modifications).